The following is an entry in ClinVar:

NC_000007.14:g.156763865T>C

Genes: LMBR1 (limb development membrane protein 1; minus strand), SHH (sonic hedgehog signaling molecule; minus strand). Cytogenetic location: 7q36.3.
Variant type: single nucleotide variant.
Molecular consequence: intron variant (on NM_022458.4).
Genome position: GRCh38 VCF-style: chr7-156763865-T-C. GRCh37 (hg19) VCF-style: chr7-156556559-T-C.
Other names: c.361-70A>G (NM_001363412.2); c.145-70A>G (NM_001350954.2); c.424-70A>G (NM_001363410.2, NM_022458.4, NM_001363409.2 and 1 more transcripts); c.-33-70A>G (NM_001350958.2, NM_001350956.2, NM_001350955.2 and 1 more transcripts); c.55-70A>G (NM_001350957.2, NM_001363411.2).
Identifiers: ClinVar variation 2878473 (VCV002878473.3), dbSNP rs1323813190, ClinGen allele CA835791900.

ClinVar aggregate classification (germline): Uncertain significance (1 of 4 stars; one submission).

Conditions:
Holoprosencephaly 3 (HPE3). Identifiers: Orphanet 2162, MedGen C1840529, MONDO:0007733, OMIM 142945.

Allele frequency attached by ClinVar (database versions not stated): gnomAD exomes 0.00001; gnomAD 0.00003; TOPMed 0.00004.
gnomAD v4.1: 21 of 1,278,338 alleles (0.0016%); highest among the groups gnomAD compares: Admixed American, 0.014%; no homozygotes.

Submission:

Labcorp Genetics (formerly Invitae), Labcorp
Classification: Uncertain significance for Holoprosencephaly 3. Last evaluated: 2024-09-11. Review status: criteria provided, single submitter. Criteria: Invitae Variant Classification Sherloc (09022015). Collection method: clinical testing. Allele origin: germline.
Comment: This variant occurs in a non-coding region of the SHH gene. It does not change the encoded amino acid sequence of the SHH protein. This variant is not present in population databases (gnomAD no frequency). This variant has not been reported in the literature in individuals affected with SHH-related conditions. Experimental studies and prediction algorithms are not available or were not evaluated, and the effect of this variant on mRNA splicing is currently unknown. In summary, the available evidence is currently insufficient to determine the role of this variant in disease. Therefore, it has been classified as a Variant of Uncertain Significance.